The following is an entry in ClinVar:

NM_000535.7(PMS2):c.865T>C (p.Phe289Leu)

Gene: PMS2 (PMS1 homolog 2, mismatch repair system component; minus strand). Cytogenetic location: 7p22.1.
Variant type: single nucleotide variant.
Coding change: c.865T>C on transcript NM_000535.7 (MANE Select); coding-DNA position 865, T replaced by C.
Protein change: p.Phe289Leu; replaces phenylalanine 289 with leucine.
Molecular consequence: missense variant. On other transcripts: 5 prime UTR variant (2), non-coding transcript variant (1).
Genome position (GRCh38, 1-based): chr7:5,995,572, A>G on the plus strand (T>C on the coding strand, the complement: PMS2 is on the minus strand). VCF-style: chr7-5995572-A-G. GRCh37 (hg19) VCF-style: chr7-6035203-A-G.
Other names: c.460T>C, p.Phe154Leu (NM_001322003.2, NM_001322004.2, NM_001322005.2 and 2 more transcripts); c.865T>C, p.Phe289Leu (NM_001322006.2, NM_001322014.2); c.547T>C, p.Phe183Leu (NM_001322007.2, NM_001322008.2); c.-69T>C (NM_001322011.2, NM_001322012.2); c.292T>C, p.Phe98Leu (NM_001322013.2); c.556T>C, p.Phe186Leu (NM_001322015.2); short protein forms F289L, F154L, F183L, F186L, F98L.
Identifiers: ClinVar variation 421809 (VCV000421809.21), dbSNP rs771787834, ClinGen allele CA052026.

ClinVar aggregate classification (germline): Uncertain significance. Review status: criteria provided, multiple submitters, no conflicts (2 of 4 stars). 5 submissions from 5 submitters: Uncertain significance (5). Last evaluated 2025-09-01.

Conditions:
Hereditary nonpolyposis colorectal neoplasms. Identifiers: MedGen C0009405, MeSH D003123.
Hereditary cancer-predisposing syndrome. Also called: Hereditary neoplastic syndrome; Neoplastic Syndromes, Hereditary; Tumor predisposition; Hereditary Cancer Syndrome. Identifiers: Orphanet 140162, MedGen C0027672, MeSH D009386, MONDO:0015356.

Allele frequency attached by ClinVar (database versions not stated): TOPMed below 0.00001; ExAC 0.00001.
gnomAD v4.1: 2 of 1,614,008 alleles (0.00012%); highest among the groups gnomAD compares: Non-Finnish European, 0.00017%; no homozygotes.

Submissions (5):

Labcorp Genetics (formerly Invitae), Labcorp
Classification: Uncertain significance for Hereditary nonpolyposis colorectal neoplasms. Last evaluated: 2025-09-01. Review status: criteria provided, single submitter. Criteria: Invitae Variant Classification Sherloc (09022015). Collection method: clinical testing. Allele origin: germline.
Comment: This sequence change replaces phenylalanine, which is neutral and non-polar, with leucine, which is neutral and non-polar, at codon 289 of the PMS2 protein (p.Phe289Leu). This variant is present in population databases (rs771787834, gnomAD 0.0009%). This variant has not been reported in the literature in individuals affected with PMS2-related conditions. ClinVar contains an entry for this variant (Variation ID: 421809). Invitae Evidence Modeling incorporating data from in vitro experimental studies (internal data) indicates that this missense variant is not expected to disrupt PMS2 function with a negative predictive value of 95%. In summary, the available evidence is currently insufficient to determine the role of this variant in disease. Therefore, it has been classified as a Variant of Uncertain Significance.

Ambry Genetics
Classification: Uncertain significance for Hereditary cancer-predisposing syndrome. Last evaluated: 2024-08-18. Review status: criteria provided, single submitter. Criteria: Ambry Variant Classification Scheme 2023. Collection method: clinical testing. Allele origin: germline.
Comment: The p.F289L variant (also known as c.865T>C), located in coding exon 8 of the PMS2 gene, results from a T to C substitution at nucleotide position 865. The phenylalanine at codon 289 is replaced by leucine, an amino acid with highly similar properties. This alteration was observed in a cohort of 431 patients with wild-type PTEN who met at least the relaxed diagnostic criteria of the International Cowden Consortium (Lee YR et al. N Engl J Med, 2020 05;382:2103-2116). This amino acid position is highly conserved in available vertebrate species. In addition, this alteration is predicted to be deleterious by in silico analysis. Since supporting evidence is limited at this time, the clinical significance of this alteration remains unclear.

Color Diagnostics, LLC DBA Color Health
Classification: Uncertain significance for Hereditary cancer-predisposing syndrome. Last evaluated: 2023-01-17. Review status: criteria provided, single submitter. Criteria: ACMG Guidelines, 2015. Collection method: clinical testing. Allele origin: germline.
Comment: This missense variant replaces phenylalanine with leucine at codon 289 of the PMS2 protein. Computational prediction suggests that this variant may have deleterious impact on protein structure and function (internally defined REVEL score threshold >= 0.7, PMID: 27666373). To our knowledge, functional studies have not been reported for this variant. This variant has not been reported in individuals affected with PMS2-related disorders in the literature. This variant has been identified in 1/251446 chromosomes in the general population by the Genome Aggregation Database (gnomAD). The available evidence is insufficient to determine the role of this variant in disease conclusively. Therefore, this variant is classified as a Variant of Uncertain Significance.

GeneDx
Classification: Uncertain significance. Last evaluated: 2022-09-09. Review status: criteria provided, single submitter. Criteria: GeneDx Variant Classification Process June 2021. Collection method: clinical testing. Allele origin: germline. Affected: yes.
Comment: Not observed at significant frequency in large population cohorts (gnomAD); In silico analysis supports that this missense variant has a deleterious effect on protein structure/function; Has not been previously published as pathogenic or benign to our knowledge; This variant is associated with the following publications: (PMID: 11574484)

Women's Health and Genetics/Laboratory Corporation of America, LabCorp
Classification: Uncertain significance. Last evaluated: 2016-03-11. Review status: criteria provided, single submitter. Criteria: LabCorp Variant Classification Summary - May 2015. Collection method: clinical testing. Allele origin: germline.
Comment: Variant summary: The PMS2 c.865T>C variant affects a conserved nucleotide, resulting in amino acid change from Phe to Leu. 3/4 in-silico tools predict this variant to be damaging (SNPs&GO not captured due to low reliability index). This variant was found in 1/120952 control chromosomes at a frequency of 0.0000083, which does not significantly exceed maximal expected frequency of a pathogenic allele (0.0001136). However, due to potential pseudogene interference, it is unknown if this variant call is in PMS2 or the pseudogene. The variant of interest has not, to our knowledge, been reported in affected individuals via publications and/or reputable databases/clinical laboratories; nor evaluated for functional impact by in vivo/vitro studies. Because of the absence of clinical information and the lack of functional studies, the variant was classified as a variant of uncertain significance (VUS) until additional information becomes available.

Literature cited by the submitters: PubMed 32459922 (cited by Ambry Genetics).